The following is an entry in ClinVar:

NM_020117.11(LARS1):c.2213-163A>G

Genes: LARS1 (leucyl-tRNA synthetase 1; minus strand), LOC132089171 (Neanderthal introgressed variant-containing enhancer experimental_81335; plus strand). Cytogenetic location: 5q32.
Variant type: single nucleotide variant.
Coding change: c.2213-163A>G on transcript NM_020117.11 (MANE Select); 163 bases into the intron before coding-DNA position 2213, A replaced by G.
Molecular consequence: intron variant.
Genome position (GRCh38, 1-based): chr5:146,133,244, T>C on the plus strand (A>G on the coding strand, the complement: LARS1 is on the minus strand). VCF-style: chr5-146133244-T-C. GRCh37 (hg19) VCF-style: chr5-145512807-T-C.
Other names: c.2051-163A>G (NM_001317965.2); c.2132-163A>G (NM_016460.4); c.2075-163A>G (NM_001317964.2).
Identifiers: ClinVar variation 670027 (VCV000670027.1), dbSNP rs3797628, ClinGen allele CA11983984.

ClinVar aggregate classification (germline): Benign (1 of 4 stars; one submission).

Allele frequency attached by ClinVar (database versions not stated): gnomAD 0.22242 and 0.22144; 1000 Genomes Project 30x 0.18067; 1000 Genomes Project 0.18171; TOPMed 0.22135.
gnomAD v4.1: 33,884 of 152,124 alleles (22%); highest among the groups gnomAD compares: Admixed American, 34%; 4,829 homozygotes.

Submission:

GeneDx
Classification: Benign. Last evaluated: 2018-06-14. Review status: criteria provided, single submitter. Criteria: GeneDx Variant Classification (06012015). Collection method: clinical testing. Allele origin: germline. Affected: yes.
Comment: This variant is considered likely benign or benign based on one or more of the following criteria: it is a conservative change, it occurs at a poorly conserved position in the protein, it is predicted to be benign by multiple in silico algorithms, and/or has population frequency not consistent with disease.